The following is an entry in ClinVar:

ClinVar aggregate classification (germline): Conflicting classifications of pathogenicity. Review status: criteria provided, conflicting classifications (1 of 4 stars). 2 submissions from 2 submitters: Likely pathogenic (1); Uncertain significance (1). Last evaluated 2021-06-30.

Conditions:
Retinitis pigmentosa 12 (RP12). Also called: RP WITH OR WITHOUT PPRPE; RP WITH OR WITHOUT PRESERVED PARAARTERIOLE RETINAL PIGMENT EPITHELIUM; RETINITIS PIGMENTOSA WITH OR WITHOUT PARAARTERIOLAR PRESERVATION OF RETINAL PIGMENT EPITHELIUM. Identifiers: Orphanet 791, MedGen C1838647, MONDO:0010818, OMIM 600105.
CRB1-related disorder. Also called: CRB1-related condition; CRB1-related disorders.

gnomAD v4.1: 4 of 1,613,946 alleles (0.00025%); highest among the groups gnomAD compares: Non-Finnish European, 0.00034%; no homozygotes.

Submissions (2):

Blueprint Genetics
Classification: Likely pathogenic for CRB1-related disorders. Last evaluated: 2021-06-30. Review status: criteria provided, single submitter. Criteria: ACMG Guidelines, 2015. Collection method: clinical testing. Allele origin: germline. Affected: yes. Observed: 1 variant allele.

Ocular Genomics Institute, Massachusetts Eye and Ear
Classification: Uncertain significance for Retinitis pigmentosa 12. Last evaluated: 2021-04-08. Review status: criteria provided, single submitter. Criteria: ACMG Guidelines, 2015. Collection method: research. Allele origin: germline. Affected: yes.
Comment: Through a review of available evidence we were able to apply the following criteria: PM2. Based on this evidence we have classified this variant as Variant of Uncertain Significance.

NM_201253.3(CRB1):c.2363T>G (p.Leu788Arg)

Gene: CRB1 (crumbs cell polarity complex component 1; plus strand). Cytogenetic location: 1q31.3.
Variant type: single nucleotide variant.
Coding change: c.2363T>G on transcript NM_201253.3 (MANE Select); coding-DNA position 2363, T replaced by G.
Protein change: p.Leu788Arg; replaces leucine 788 with arginine.
Molecular consequence: missense variant. On other transcripts: non-coding transcript variant (2), intron variant (1).
Genome position (GRCh38, 1-based): chr1:197,427,688, T>G. VCF-style: chr1-197427688-T-G. GRCh37 (hg19) VCF-style: chr1-197396818-T-G.
Other names: c.2027T>G, p.Leu676Arg (NM_001193640.2); c.2156T>G, p.Leu719Arg (NM_001257965.2); c.2128+5732T>G (NM_001257966.2); short protein forms L676R, L719R, L788R.
Identifiers: ClinVar variation 1065645 (VCV001065645.2), dbSNP rs1664662355, ClinGen allele CA344037053.
Genomic context (GRCh38, chr1:197,427,688, plus strand): 5'-AGCGCGGCAGACTAGCAATGCTGACTCCAAACTCTCCCAAATTAGTAGTAAAATTTGTTC[T>G]TAATGATGGAAATGTCCACTTGATATCTTTGAAAATCAAGCCATATAAAATTGAACTGTA-3'
Protein context (NP_957705.1, residues 778-798): NSPKLVVKFV[Leu788Arg]NDGNVHLISL